The following is an entry in ClinVar:

ClinVar aggregate classification (germline): Pathogenic (0 of 4 stars; one submission).

Conditions:
Fanconi anemia complementation group A (FANCA). Also called: Fanconi anemia, group A; FANCA-Related Fanconi Anemia. Identifiers: Orphanet 84, MedGen C3469521, MONDO:0009215, OMIM 227650.

Submission:

Leiden Open Variation Database
Classification: Pathogenic for Fanconi anemia complementation group A. Last evaluated: 2020-02-28. Review status: no assertion criteria provided. Collection method: curation. Allele origin: germline. Affected: yes.
Comment: Curator: Arleen D. Auerbach. Submitter to LOVD: Arleen D. Auerbach.

Literature cited by the submitters: PubMed 25168418.

NC_000016.10:g.88297751_88318269del

Variant type: Deletion.
Identifiers: ClinVar variation 974151 (VCV000974151.1).